The following is an entry in ClinVar:

ClinVar aggregate classification (germline): Pathogenic/Likely pathogenic. Review status: criteria provided, multiple submitters, no conflicts (2 of 4 stars). 57 submissions from 51 submitters: Pathogenic (48); Likely pathogenic (2). 7 of the submissions do not count toward it. Last evaluated 2026-08-06.
ClinVar aggregate classification (oncogenicity): Oncogenic (1 of 4 stars; one submission).

Conditions:
Inherited ovarian cancer (without breast cancer).
Familial ovarian cancer. Identifiers: MedGen C5679802, MONDO:0016248.
Monogenic short statue.
BRIP1-related disorder. Also called: BRIP1-related condition; BRIP1-related disorders. Identifiers: MedGen CN239206.
Fanconi anemia complementation group J. Also called: BRIP1-Related Fanconi Anemia. Identifiers: Orphanet 84, MedGen C1836860, MONDO:0012187, OMIM 609054.
Fetal anomalies with a likely genetic cause.
Breast and/or ovarian cancer. Identifiers: MedGen CN221562.
Esophageal atresia/tracheoesophageal fistula. Also called: TRACHEOESOPHAGEAL FISTULA WITH OR WITHOUT ESOPHAGEAL ATRESIA; Tracheoesophageal fistula. Identifiers: Orphanet 1199, MedGen C0040588, MeSH D014138, MONDO:0008586, OMIM 189960, HP:0002575.
Familial cancer of breast. Also called: hereditary breast carcinoma; BREAST CANCER, FAMILIAL; Hereditary breast cancer. Identifiers: Orphanet 227535, MedGen C0346153, MONDO:0016419, OMIM 114480. Disease mechanism: loss of function.
Gastric cancer. Also called: Malignant tumor of stomach; Stomach cancer. Identifiers: MedGen C0024623, MeSH D013274, MONDO:0001056, OMIM 613659, HP:0012126.
Hereditary cancer-predisposing syndrome. Also called: Hereditary neoplastic syndrome; Hereditary Cancer Syndrome; Neoplastic Syndromes, Hereditary; Tumor predisposition. Identifiers: Orphanet 140162, MedGen C0027672, MeSH D009386, MONDO:0015356.
Ovarian cancer. Also called: OVARIAN CANCER, SOMATIC. Identifiers: Orphanet 213500, MedGen C1140680, MONDO:0008170, OMIM 167000.
Fanconi anemia (FA). Also called: Fanconi's anemia. Identifiers: Orphanet 84, MedGen C0015625, MeSH D005199, MONDO:0019391.
Breast-ovarian cancer, familial, susceptibility to, 1 (BROVCA1). Also called: OVARIAN CANCER, SUSCEPTIBILITY TO; BRCA1 Hereditary Breast and Ovarian Cancer. Identifiers: Orphanet 145, MedGen C2676676, MONDO:0011450, OMIM 604370. Disease mechanism: loss of function.
Breast cancer, early-onset. Identifiers: MedGen C4016951.
Malignant tumor of breast. Also called: Malignant breast neoplasm; Cancer breast. Identifiers: MedGen C0006142, MONDO:0007254. Disease mechanism: loss of function.
Neoplasm. Also called: Neoplasms; Neoplasm (disease); tumor. Identifiers: MedGen C0027651, MeSH D009369, MONDO:0005070, HP:0002664.

Allele frequency attached by ClinVar (database versions not stated): gnomAD exomes 0.00017 and 0.00029; gnomAD 0.00010 and 0.00016; ExAC 0.00015; TOPMed 0.00032.
gnomAD v4.1: 457 of 1,592,634 alleles (0.029%); highest among the groups gnomAD compares: Non-Finnish European, 0.035%; no homozygotes.

Submissions 1 to 10 of 58:

NHS Central & South Genomic Laboratory Hub
Classification: Pathogenic for Monogenic short statue. Last evaluated: 2026-08-06. Review status: criteria provided, single submitter. Criteria: ACMG Guidelines, 2015. Collection method: clinical testing. Allele origin: germline. Affected: yes.

PreventionGenetics, part of Exact Sciences
Classification: Pathogenic for BRIP1-related condition. Last evaluated: 2026-07-29. Review status: criteria provided, single submitter. Criteria: ACMG Guidelines, 2015. Collection method: clinical testing. Allele origin: germline.
Comment: The BRIP1 c.2392C>T variant is predicted to result in premature protein termination (p.Arg798*). This variant (also described as c.2533C>T in the literature) has been reported in the homozygous or compound heterozygous state in individuals with Fanconi anemia (Levran et al. 2005. PubMed ID: 16116424; Shamseldin et al. 2021. PubMed ID: 34645488). This variant has been reported, in the heterozygous state or in combination with another possible pathogenic variant in a different gene, in individuals with ovarian cancer (Pennington et al. 2014. PubMed ID: 24240112), breast cancer (Lhota et al. 2016. PubMed ID: 26822949; Lerner-Ellis et al. 2021. PubMed ID: 32885271), colorectal cancer (Susswein et al. 2016. Table S1, PubMed ID: 26681312), renal cell carcinoma (Smith et al. 2021. PubMed ID: 32830346), and familial and sporadic prostate cancers (Kote-Jarai et al. 2009. PubMed ID: 19127258). However, a recent large study of individuals predominantly of European origin, including 48,144 breast cancer cases and 43,607 controls, reported that the c.2392C>T (p.Arg798*) variant was present at similar frequencies in cases and controls. Similarly, other truncating variants were also reported at similar frequencies in cases and controls. The authors concluded that truncating variants in BRIP1, and the c.2392C>T (p.Arg798*) variant in particular, have no significant association with breast cancer risk (Easton et al. 2016. PubMed ID: 26921362). However, there was weak evidence of increased risk of estrogen receptor (ER)-negative and triple-negative breast cancers in individuals with the c.2392C>T (p.Arg798*) variant. The c.2392C>T (p.Arg798*) variant has been observed in 44/278320 alleles (~0.016%) within a database of individuals of unknown phenotype and is interpreted as pathogenic or likely pathogenic by multiple submitters in ClinVar (Variation ID: 4738). Based on the available data, this variant is pathogenic for Fanconi anemia and several cancers; however, the evidence for its risk for developing breast cancer is not as strong.

Genetics Laboratory, Great Ormond Street Hospital NHS Foundation Trust, North Thames Genomic Laboratory Hub
Classification: Pathogenic for Inherited ovarian cancer (without breast cancer). Last evaluated: 2026-07-25. Review status: criteria provided, single submitter. Criteria: CanVIG Consensus Spec V3.0. Collection method: clinical testing. Allele origin: germline. Affected: yes.
Comment: PVS1_very-strong, PM5_supporting, PP4_supporting

Genetics Laboratory, Great Ormond Street Hospital NHS Foundation Trust, North Thames Genomic Laboratory Hub
Classification: Pathogenic for Fetal anomalies with a likely genetic cause. Last evaluated: 2026-07-25. Review status: criteria provided, single submitter. Criteria: CanVIG Consensus Spec V3.0. Collection method: clinical testing. Allele origin: germline. Affected: yes.
Comment: the same text as in the submission from Genetics Laboratory, Great Ormond Street Hospital NHS Foundation Trust, North Thames Genomic Laboratory Hub above.

CeGaT Center for Human Genetics Tuebingen
Classification: Pathogenic. Last evaluated: 2026-07-01. Review status: criteria provided, single submitter. Criteria: CeGaT Center For Human Genetics Tuebingen Variant Classification Criteria Version 2. Collection method: clinical testing. Allele origin: germline. Affected: yes. Observed: 5 variant alleles.
Comment: BRIP1: PVS1, PS4

Genomics and Molecular Medicine Service, East Genomic Laboratory Hub, NHS Genomic Medicine Service
Classification: Likely pathogenic for Inherited ovarian cancer (without breast cancer). Last evaluated: 2026-05-19. Review status: criteria provided, single submitter. Criteria: ACGS Best Practice Guidelines for Variant Classification in Rare Disease 2020. Collection method: clinical testing. Allele origin: germline. Affected: yes.
Comment: PVS1,PM5_Supporting

Department of Clinical Genetics, Copenhagen University Hospital, Rigshospitalet
Classification: Pathogenic for Hereditary cancer-predisposing syndrome. Last evaluated: 2026-03-18. Review status: criteria provided, single submitter. Criteria: ACMG Guidelines, 2015. Collection method: clinical testing. Allele origin: germline.
Comment: The following ACMG criteria has been used: PVS1; PM3_Strong

Labcorp Genetics (formerly Invitae), Labcorp
Classification: Pathogenic for Familial cancer of breast; Fanconi anemia complementation group J. Last evaluated: 2026-02-01. Review status: criteria provided, single submitter. Criteria: Invitae Variant Classification Sherloc (09022015). Collection method: clinical testing. Allele origin: germline.
Comment: This sequence change creates a premature translational stop signal (p.Arg798*) in the BRIP1 gene. It is expected to result in an absent or disrupted protein product. Loss-of-function variants in BRIP1 are known to be pathogenic (PMID: 16116423, 17033622, 21964575). This variant is present in population databases (rs137852986, gnomAD 0.03%). This premature translational stop signal has been observed in individual(s) with Fanconi anemia (PMID: 16116423, 16116424, 17033622, 19127258, 19763819, 24240112, 24556621, 25980754, 26822949). It has also been observed to segregate with disease in related individuals. This variant is also known as 2533C>T. ClinVar contains an entry for this variant (Variation ID: 4738). For these reasons, this variant has been classified as Pathogenic.

Center for Genomic Medicine, Rigshospitalet, Copenhagen University Hospital
Classification: Oncogenic for Neoplasm. Last evaluated: 2025-12-29. Review status: criteria provided, single submitter. Criteria: ClinGen/CGC/VICC Guidelines for Oncogenicity, 2022. Collection method: clinical testing. Allele origin: somatic. Affected: yes.

Color Diagnostics, LLC DBA Color Health
Classification: Pathogenic for Hereditary cancer-predisposing syndrome. Last evaluated: 2025-11-17. Review status: criteria provided, single submitter. Criteria: ACMG Guidelines, 2015. Collection method: clinical testing. Allele origin: germline.
Comment: This variant changes 1 nucleotide in exon 17 of the BRIP1 gene, creating a premature translation stop signal. This variant is expected to result in an absent or non-functional protein product. A functional study has shown that the mutant transcript undergoes nonsense-mediated decay (PMID: 26921362). This variant has been reported in individuals affected with ovarian cancer (PMID: 24240112), breast cancer (PMID: 17033622, 19763819, 26822949, 32068069, 3375802), prostate cancer (PMID: 19127258, 24556621), and Lynch syndrome-associated cancer and/or colorectal polyps (PMID: 25980754). Case-control studies have suggested that this variant is associated with a mild increase in ovarian cancer risk (PMID: 32359370) and a mild increase in estrogen receptor-negative and triple-negative breast cancer risk, but not overall breast cancer risk (PMID: 26921362). This variant has also been reported in homozygous state and in compound heterozygous state with another BRIP1 pathogenic variant in individuals affected with Fanconi anemia (PMID: 16116423, 16116424, 26968956). This variant has been identified in 44/278320 chromosomes in the general population by the Genome Aggregation Database (gnomAD). Loss of BRIP1 function is a known mechanism of disease. Based on the available evidence, this variant is classified as Pathogenic.

NM_032043.3(BRIP1):c.2392C>T (p.Arg798Ter)

Gene: BRIP1 (BRCA1 interacting DNA helicase 1; minus strand). Cytogenetic location: 17q23.2.
Variant type: single nucleotide variant.
Coding change: c.2392C>T on transcript NM_032043.3 (MANE Select); coding-DNA position 2392, C replaced by T.
Protein change: p.Arg798Ter; replaces arginine 798 with a stop codon.
Molecular consequence: nonsense.
Genome position (GRCh38, 1-based): chr17:61,716,051, G>A on the plus strand (C>T on the coding strand, the complement: BRIP1 is on the minus strand). VCF-style: chr17-61716051-G-A. GRCh37 (hg19) VCF-style: chr17-59793412-G-A.
Other names: p.R798*:CGA>TGA; short protein forms R798*.
Identifiers: ClinVar variation 4738 (VCV000004738.134), dbSNP rs137852986, ClinGen allele CA253268.
Genomic context (GRCh38, chr17:61,716,051, plus strand): 5'-CATACCACTGACGGCCAGGTAGAAGACCTCTCAATTTTGAATGGTGGTCATTGTATTGTC[G>A]TTTTAGTTCAACCTAATAATTTTAAAATATATTTAAAAAATTAGTAGATAATTAAAGCTC-3'